The following is an entry in ClinVar:

NM_006949.4(STXBP2):c.1611T>G (p.Tyr537Ter)

Gene: STXBP2 (syntaxin binding protein 2; plus strand). Cytogenetic location: 19p13.2.
Variant type: single nucleotide variant.
Coding change: c.1611T>G on transcript NM_006949.4 (MANE Select); coding-DNA position 1611, T replaced by G.
Protein change: p.Tyr537Ter; replaces tyrosine 537 with a stop codon.
Molecular consequence: nonsense. On other transcripts: non-coding transcript variant (1).
Genome position (GRCh38, 1-based): chr19:7,647,426, T>G. VCF-style: chr19-7647426-T-G. GRCh37 (hg19) VCF-style: chr19-7712312-T-G.
Other names: c.1602T>G, p.Tyr534Ter (NM_001127396.3); c.1644T>G, p.Tyr548Ter (NM_001272034.2); c.1515T>G, p.Tyr505Ter (NM_001414484.1); short protein forms Y505*, Y534*, Y537*, Y548*.
Identifiers: ClinVar variation 2679092 (VCV002679092.2), dbSNP rs772962304, ClinGen allele CA9144278.
Genomic context (GRCh38, chr19:7,647,426, plus strand): 5'-TCACTGGCACAAGAACAAGGCTGGCATAGAAGCCCGGGCGGGCCCCCGGCTCATCGTGTA[T>G]GTCATGGGCGGTGTGGCCATGTCAGAGATGAGGGCCGCCTACGAGGTGACCAGGGCCACC-3'

ClinVar aggregate classification (germline): Pathogenic/Likely pathogenic. Review status: criteria provided, multiple submitters, no conflicts (2 of 4 stars). 2 submissions from 2 submitters: Pathogenic (1); Likely pathogenic (1). Last evaluated 2025-12-21.

Conditions:
Familial hemophagocytic lymphohistiocytosis 5. Also called: STXBP2-Related Familial Hemophagocytic Lymphohistiocytosis (STXBP2-fHLH). Identifiers: Orphanet 540, MedGen C2751293, MONDO:0013135, OMIM 613101.

Allele frequency attached by ClinVar (database versions not stated): TOPMed below 0.00001; ExAC 0.00001; gnomAD 0.00001.

Submissions (2):

Labcorp Genetics (formerly Invitae), Labcorp
Classification: Pathogenic for Familial hemophagocytic lymphohistiocytosis 5. Last evaluated: 2025-12-21. Review status: criteria provided, single submitter. Criteria: Invitae Variant Classification Sherloc (09022015). Collection method: clinical testing. Allele origin: germline.
Comment: This sequence change creates a premature translational stop signal (p.Tyr537*) in the STXBP2 gene. It is expected to result in an absent or disrupted protein product. Loss-of-function variants in STXBP2 are known to be pathogenic (PMID: 19804848, 22451424). This variant is present in population databases (rs772962304, gnomAD 0.007%). This variant has not been reported in the literature in individuals affected with STXBP2-related conditions. ClinVar contains an entry for this variant (Variation ID: 2679092). Algorithms developed to predict the effect of sequence changes on RNA splicing suggest that this variant may disrupt the consensus splice site. For these reasons, this variant has been classified as Pathogenic.

Baylor Genetics
Classification: Likely pathogenic for Familial hemophagocytic lymphohistiocytosis 5. Last evaluated: 2022-02-04. Review status: criteria provided, single submitter. Criteria: ACMG Guidelines, 2015. Collection method: clinical testing. Allele origin: unknown.

Literature cited by the submitters: PubMed 19804848 (cited by Labcorp Genetics (formerly Invitae), Labcorp); PubMed 22451424 (cited by Labcorp Genetics (formerly Invitae), Labcorp).